The following is an entry in ClinVar:

NM_003107.3(SOX4):c.697_708del (p.Ala233_Ser236del)

Gene: SOX4 (SRY-box transcription factor 4; plus strand). Cytogenetic location: 6p22.3.
Variant type: Deletion.
Coding change: c.697_708del on transcript NM_003107.3 (MANE Select); coding-DNA positions 697 to 708, 12 bases deleted (GCCGCCGCCTCC).
Protein change: p.Ala233_Ser236del.
Molecular consequence: inframe deletion.
Genome position (GRCh38, 1-based): chr6:21,595,231-21,595,242, GCCGCCGCCTCC deleted; deleting any 12 consecutive bases within chr6:21,595,229-21,595,242 gives the same sequence; the c. name uses the placement nearest the transcript's 3' end. VCF-style (leftmost placement, unchanged base first): chr6-21595228-GCCGCCGCCGCCT-G. GRCh37 (hg19) VCF-style: chr6-21595459-GCCGCCGCCGCCT-G.
Identifiers: ClinVar variation 931190 (VCV000931190.22), dbSNP rs1171444727, ClinGen allele CA823025684.

ClinVar aggregate classification (germline): Conflicting classifications of pathogenicity. Review status: criteria provided, conflicting classifications (1 of 4 stars). 2 submissions from 2 submitters: Uncertain significance (1); Likely benign (1). Last evaluated 2024-05-01.

Conditions:
Coffin-Siris syndrome 10. Also called: INTELLECTUAL DEVELOPMENTAL DISORDER WITH SPEECH DELAY AND DYSMORPHIC FACIES. Identifiers: MedGen C4760583, MONDO:0032791, OMIM 618506.

Submissions (2):

CeGaT Center for Human Genetics Tuebingen
Classification: Likely benign. Last evaluated: 2024-05-01. Review status: criteria provided, single submitter. Criteria: CeGaT Center For Human Genetics Tuebingen Variant Classification Criteria Version 2. Collection method: clinical testing. Allele origin: germline. Affected: yes. Observed: 1 variant allele.
Comment: SOX4: BP3, BS2

Centre for Mendelian Genomics, University Medical Centre Ljubljana
Classification: Uncertain significance for Coffin-Siris syndrome 10. Last evaluated: 2019-12-24. Review status: criteria provided, single submitter. Criteria: ACMG Guidelines, 2015. Collection method: clinical testing. Allele origin: unknown. Affected: yes.
Comment: This variant was classified as: Uncertain significance. The available evidence on this variant's pathogenicity is insufficient or conflicting. The following ACMG criteria were applied in classifying this variant: PM2.